The following is an entry in ClinVar:

NM_004304.5(ALK):c.1392AGA[1] (p.Glu465del)

Gene: ALK (ALK receptor tyrosine kinase; minus strand). Cytogenetic location: 2p23.2.
Variant type: Microsatellite.
Coding change: c.1392AGA[1] on transcript NM_004304.5 (MANE Select); one copy of the 3-base unit AGA starting at c.1392; the reference has two copies in a row; one copy, 3 bases deleted.
Protein change: p.Glu465del; deletes glutamic acid 465.
Molecular consequence: inframe deletion.
Genome position (GRCh38, 1-based): chr2:29,328,367-29,328,369, TCT deleted on the plus strand (AGA on the coding strand, the reverse complement: ALK is on the minus strand); deleting any 3 consecutive bases within chr2:29,328,367-29,328,372 gives the same sequence; the position shown is the placement nearest the transcript's 3' end. VCF-style (leftmost placement, unchanged base first): chr2-29328366-ATCT-A. GRCh37 (hg19) VCF-style: chr2-29551232-ATCT-A.
Other names: short protein forms E465del.
Identifiers: ClinVar variation 649329 (VCV000649329.8), dbSNP rs1573239194, ClinGen allele CA915943719.

ClinVar aggregate classification (germline): Uncertain significance (1 of 4 stars; one submission).

Conditions:
Neuroblastoma, susceptibility to, 3. Also called: ALK-Related Neuroblastic Tumor Susceptibility. Identifiers: Orphanet 635, MedGen C2751681, MONDO:0013083, OMIM 613014.

Submission:

Labcorp Genetics (formerly Invitae), Labcorp
Classification: Uncertain significance for Neuroblastoma, susceptibility to, 3. Last evaluated: 2018-10-23. Review status: criteria provided, single submitter. Criteria: Invitae Variant Classification Sherloc (09022015). Collection method: clinical testing. Allele origin: germline.
Comment: Experimental studies and prediction algorithms are not available for this variant, and the functional significance of the affected amino acid is currently unknown. In summary, the available evidence is currently insufficient to determine the role of this variant in disease. Therefore, it has been classified as a Variant of Uncertain Significance. This variant has not been reported in the literature in individuals with ALK-related disease. This variant is not present in population databases (ExAC no frequency). This variant, c.1395_1397delAGA, results in the deletion of 1 amino acid of the ALK protein (p.Glu465del), but otherwise preserves the integrity of the reading frame.